The following is an entry in ClinVar:

NM_020822.3(KCNT1):c.1615G>A (p.Gly539Ser)

Gene: KCNT1 (potassium sodium-activated channel subfamily T member 1; plus strand). Cytogenetic location: 9q34.3.
Variant type: single nucleotide variant.
Coding change: c.1615G>A on transcript NM_020822.3 (MANE Select); coding-DNA position 1615, G replaced by A.
Protein change: p.Gly539Ser; replaces glycine 539 with serine.
Molecular consequence: missense variant.
Genome position (GRCh38, 1-based): chr9:135,770,051, G>A. VCF-style: chr9-135770051-G-A. GRCh37 (hg19) VCF-style: chr9-138661897-G-A.
Other names: c.1480G>A, p.Gly494Ser (NM_001272003.2); short protein forms G494S, G539S.
Identifiers: ClinVar variation 1062786 (VCV001062786.9), dbSNP rs1035980360, ClinGen allele CA201472713.

ClinVar aggregate classification (germline): Uncertain significance (1 of 4 stars; one submission).

Conditions:
Autosomal dominant nocturnal frontal lobe epilepsy 5. Also called: KCNT1-Related Epilepsy; CILIARY DYSKINESIA, PRIMARY, 28, WITHOUT SITUS INVERSUS; CILIARY DYSKINESIA, PRIMARY, 28, WITH SITUS INVERSUS; Epilepsy, nocturnal frontal lobe, 5. Identifiers: Orphanet 98784, MedGen C3554306, MONDO:0014002, OMIM 615005.
Developmental and epileptic encephalopathy, 14 (DEE14). Also called: Early infantile epileptic encephalopathy 14. Identifiers: Orphanet 293181, MedGen C3554195, MONDO:0013989, OMIM 614959.

Allele frequency attached by ClinVar (database versions not stated): gnomAD 0.00001; gnomAD exomes 0.00001; TOPMed 0.00001.
gnomAD v4.1: 9 of 1,549,752 alleles (0.00058%); highest among the groups gnomAD compares: Non-Finnish European, 0.00078%; no homozygotes.

Submission:

Labcorp Genetics (formerly Invitae), Labcorp
Classification: Uncertain significance for Autosomal dominant nocturnal frontal lobe epilepsy 5; Developmental and epileptic encephalopathy, 14. Last evaluated: 2025-01-28. Review status: criteria provided, single submitter. Criteria: Invitae Variant Classification Sherloc (09022015). Collection method: clinical testing. Allele origin: germline.
Comment: This sequence change replaces glycine, which is neutral and non-polar, with serine, which is neutral and polar, at codon 539 of the KCNT1 protein (p.Gly539Ser). The frequency data for this variant in the population databases is considered unreliable, as metrics indicate poor data quality at this position in the gnomAD database. This variant has not been reported in the literature in individuals affected with KCNT1-related conditions. ClinVar contains an entry for this variant (Variation ID: 1062786). Invitae Evidence Modeling of protein sequence and biophysical properties (such as structural, functional, and spatial information, amino acid conservation, physicochemical variation, residue mobility, and thermodynamic stability) indicates that this missense variant is expected to disrupt KCNT1 protein function with a positive predictive value of 80%. In summary, the available evidence is currently insufficient to determine the role of this variant in disease. Therefore, it has been classified as a Variant of Uncertain Significance.